The following is an entry in ClinVar:

NM_001379081.2(FREM1):c.5184G>T (p.Gly1728=)

Gene: FREM1 (FRAS1 related extracellular matrix 1; minus strand). Cytogenetic location: 9p22.3.
Variant type: single nucleotide variant.
Coding change: c.5184G>T on transcript NM_001379081.2 (MANE Select); coding-DNA position 5184, G replaced by T.
Protein change: p.Gly1728=; no amino-acid change (glycine 1728 retained).
Molecular consequence: synonymous variant. On other transcripts: non-coding transcript variant (1).
Genome position (GRCh38, 1-based): chr9:14,769,744, C>A on the plus strand (G>T on the coding strand, the complement: FREM1 is on the minus strand). VCF-style: chr9-14769744-C-A. GRCh37 (hg19) VCF-style: chr9-14769742-C-A.
Other names: c.5184G>T (NM_144966.5); c.792G>T, p.Gly264= (NM_001177704.3, NM_001370058.2, NM_001370061.2); c.5184G>T, p.Gly1728= (NM_144966.7).
Identifiers: ClinVar variation 3597004 (VCV003597004.3).
Genomic context (GRCh38, chr9:14,769,744, plus strand): 5'-ATGTAACATATAGGACTACTGAATAAGCAAGAGAATTTACATTTGAGGAGTGGCCGAGTT[C>A]CCTGTGGGGTCCATGATTTGAAATTCCACGGTATCTGAATTTACTTCCAAAGATGGGTTT-3'
Protein context (NP_001366010.1, residues 1718-1738): TVEFQIMDPT[Gly1728=]NSATPQILEL

ClinVar aggregate classification (germline): Uncertain significance. Review status: criteria provided, multiple submitters, no conflicts (2 of 4 stars). 2 submissions from 2 submitters: Uncertain significance (2). Last evaluated 2025-06-13.

Conditions:
BNAR syndrome. Also called: Bifid Nose With or Without Anorectal and Renal Anomalies (BNAR) Syndrome. Identifiers: Orphanet 217266, MedGen C2750433, MONDO:0012165, OMIM 608980.
Oculotrichoanal syndrome (MOTA). Also called: MARLES SYNDROME; Manitoba Oculotrichoanal (MOTA) Syndrome. Identifiers: Orphanet 2717, MedGen C1855425, MONDO:0009560, OMIM 248450.
Trigonocephaly 2 (TRIGNO2). Identifiers: Orphanet 3366, MedGen C3280974, MONDO:0013774, OMIM 614485.

gnomAD v4.1: 10 of 1,612,192 alleles (0.00062%); highest among the groups gnomAD compares: African/African-American, 0.012%; no homozygotes.

Submissions (2):

Labcorp Genetics (formerly Invitae), Labcorp
Classification: Uncertain significance. Last evaluated: 2025-06-13. Review status: criteria provided, single submitter. Criteria: Invitae Variant Classification Sherloc (09022015). Collection method: clinical testing. Allele origin: germline.
Comment: This sequence change affects codon 1728 of the FREM1 mRNA. It is a 'silent' change, meaning that it does not change the encoded amino acid sequence of the FREM1 protein. This variant is present in population databases (rs373535414, gnomAD 0.008%). This variant has not been reported in the literature in individuals affected with FREM1-related conditions. ClinVar contains an entry for this variant (Variation ID: 3597004). Algorithms developed to predict the effect of sequence changes on RNA splicing suggest that this variant may disrupt the consensus splice site. In summary, the available evidence is currently insufficient to determine the role of this variant in disease. Therefore, it has been classified as a Variant of Uncertain Significance.

Fulgent Genetics
Classification: Uncertain significance for Oculotrichoanal syndrome; BNAR syndrome; Trigonocephaly 2. Last evaluated: 2024-02-23. Review status: criteria provided, single submitter. Criteria: ACMG Guidelines, 2015. Collection method: clinical testing. Allele origin: germline.